The following is an entry in ClinVar:

ClinVar aggregate classification (germline): Uncertain significance. Review status: criteria provided, multiple submitters, no conflicts (2 of 4 stars). 2 submissions from 2 submitters: Uncertain significance (2). Last evaluated 2025-08-06.

Conditions:
Hereditary diffuse gastric adenocarcinoma (HDGC). Also called: DIFFUSE GASTRIC AND LOBULAR BREAST CANCER SYNDROME. Identifiers: Orphanet 26106, MedGen C1708349, MONDO:0007648, OMIM 137215.
Hereditary cancer-predisposing syndrome. Also called: Hereditary Cancer Syndrome; Hereditary neoplastic syndrome; Neoplastic Syndromes, Hereditary; Tumor predisposition. Identifiers: Orphanet 140162, MedGen C0027672, MeSH D009386, MONDO:0015356.

Submissions (2):

Ambry Genetics
Classification: Uncertain significance for Hereditary cancer-predisposing syndrome. Last evaluated: 2025-08-06. Review status: criteria provided, single submitter. Criteria: Ambry Variant Classification Scheme 2023. Collection method: clinical testing. Allele origin: germline.
Comment: The p.N814S variant (also known as c.2441A>G), located in coding exon 16 of the CDH1 gene, results from an A to G substitution at nucleotide position 2441. The asparagine at codon 814 is replaced by serine, an amino acid with highly similar properties. This amino acid position is highly conserved in available vertebrate species. In addition, this alteration is predicted to be tolerated by in silico analysis. Based on the available evidence, the clinical significance of this variant remains unclear.

Labcorp Genetics (formerly Invitae), Labcorp
Classification: Uncertain significance for Hereditary diffuse gastric adenocarcinoma. Last evaluated: 2023-12-03. Review status: criteria provided, single submitter. Criteria: Invitae Variant Classification Sherloc (09022015). Collection method: clinical testing. Allele origin: germline.
Comment: This sequence change replaces asparagine, which is neutral and polar, with serine, which is neutral and polar, at codon 814 of the CDH1 protein (p.Asn814Ser). This variant is not present in population databases (gnomAD no frequency). This variant has not been reported in the literature in individuals affected with CDH1-related conditions. An algorithm developed to predict the effect of missense changes on protein structure and function (PolyPhen-2) suggests that this variant is likely to be disruptive. In summary, the available evidence is currently insufficient to determine the role of this variant in disease. Therefore, it has been classified as a Variant of Uncertain Significance.

NM_004360.5(CDH1):c.2441A>G (p.Asn814Ser)

Gene: CDH1 (cadherin 1; plus strand). Cytogenetic location: 16q22.1.
Variant type: single nucleotide variant.
Coding change: c.2441A>G on transcript NM_004360.5 (MANE Select); coding-DNA position 2441, A replaced by G.
Protein change: p.Asn814Ser; replaces asparagine 814 with serine.
Molecular consequence: missense variant.
Genome position (GRCh38, 1-based): chr16:68,833,291, A>G. VCF-style: chr16-68833291-A-G. GRCh37 (hg19) VCF-style: chr16-68867194-A-G.
Other names: c.2258A>G, p.Asn753Ser (NM_001317184.2); c.893A>G, p.Asn298Ser (NM_001317185.2); c.476A>G, p.Asn159Ser (NM_001317186.2); short protein forms N159S, N814S, N298S, N753S.
Identifiers: ClinVar variation 2700592 (VCV002700592.4), dbSNP rs2152143827, ClinGen allele CA396471944.